The following is an entry in ClinVar:

ClinVar aggregate classification (germline): Uncertain significance. Review status: criteria provided, multiple submitters, no conflicts (2 of 4 stars). 2 submissions from 2 submitters: Uncertain significance (2). Last evaluated 2023-11-20.

Conditions:
Norman-Roberts syndrome (LIS2). Also called: Lissencephaly 2 (Norman-Roberts type). Identifiers: Orphanet 89844, MedGen C0796089, MONDO:0009760, OMIM 257320.
Familial temporal lobe epilepsy 7. Identifiers: Orphanet 101046, MedGen C4225327, MONDO:0014639, OMIM 616436.
Inborn genetic diseases. Identifiers: MedGen C0950123, MeSH D030342.

Submissions (2):

Labcorp Genetics (formerly Invitae), Labcorp
Classification: Uncertain significance for Familial temporal lobe epilepsy 7; Norman-Roberts syndrome. Last evaluated: 2023-11-20. Review status: criteria provided, single submitter. Criteria: Invitae Variant Classification Sherloc (09022015). Collection method: clinical testing. Allele origin: germline.
Comment: This sequence change replaces arginine, which is basic and polar, with threonine, which is neutral and polar, at codon 719 of the RELN protein (p.Arg719Thr). This variant is not present in population databases (gnomAD no frequency). This variant has not been reported in the literature in individuals affected with RELN-related conditions. ClinVar contains an entry for this variant (Variation ID: 2478601). Advanced modeling of protein sequence and biophysical properties (such as structural, functional, and spatial information, amino acid conservation, physicochemical variation, residue mobility, and thermodynamic stability) performed at Invitae indicates that this missense variant is not expected to disrupt RELN protein function with a negative predictive value of 80%. In summary, the available evidence is currently insufficient to determine the role of this variant in disease. Therefore, it has been classified as a Variant of Uncertain Significance.

Ambry Genetics
Classification: Uncertain significance for Inborn genetic diseases. Last evaluated: 2023-01-24. Review status: criteria provided, single submitter. Criteria: Ambry Variant Classification Scheme 2023. Collection method: clinical testing. Allele origin: germline.

NM_005045.4(RELN):c.2156G>C (p.Arg719Thr)

Gene: RELN (reelin; minus strand). Cytogenetic location: 7q22.1.
Variant type: single nucleotide variant.
Coding change: c.2156G>C on transcript NM_005045.4 (MANE Select); coding-DNA position 2156, G replaced by C.
Protein change: p.Arg719Thr; replaces arginine 719 with threonine.
Molecular consequence: missense variant.
Genome position (GRCh38, 1-based): chr7:103,636,382, C>G on the plus strand (G>C on the coding strand, the complement: RELN is on the minus strand). VCF-style: chr7-103636382-C-G. GRCh37 (hg19) VCF-style: chr7-103276829-C-G.
Other names: c.2156G>C, p.Arg719Thr (NM_173054.3); short protein forms R719T.
Identifiers: ClinVar variation 2478601 (VCV002478601.5), dbSNP rs2484802861, ClinGen allele CA368762076.